The following is an entry in ClinVar:

NM_000363.5(TNNI3):c.229A>T (p.Ser77Cys)

Gene: TNNI3 (troponin I3, cardiac type; minus strand). Cytogenetic location: 19q13.42.
Variant type: single nucleotide variant.
Coding change: c.229A>T on transcript NM_000363.5 (MANE Select); coding-DNA position 229, A replaced by T.
Protein change: p.Ser77Cys; replaces serine 77 with cysteine.
Molecular consequence: missense variant.
Genome position (GRCh38, 1-based): chr19:55,156,254, T>A on the plus strand (A>T on the coding strand, the complement: TNNI3 is on the minus strand). VCF-style: chr19-55156254-T-A. GRCh37 (hg19) VCF-style: chr19-55667622-T-A.
Other names: short protein forms S77C.
Identifiers: ClinVar variation 3231262 (VCV003231262.3), dbSNP rs2515501630, ClinGen allele CA407441771.
Genomic context (GRCh38, chr19:55,156,254, plus strand): 5'-CCGGTACCTGCAGCTCCGCGAAGCCCAGCCCGGCCAACTCCAGCGGCTGGCAGCGGGTGC[T>A]CAGAGCGCGCCCCTTCTCTCCGCGCCGCTCCTCCGCCTCTCGCTCCAGCTCTTGCTTTGC-3'
Protein context (NP_000354.4, residues 67-87): ERRGEKGRAL[Ser77Cys]TRCQPLELAG

ClinVar aggregate classification (germline): Uncertain significance. Review status: criteria provided, multiple submitters, no conflicts (2 of 4 stars). 3 submissions from 3 submitters: Uncertain significance (3). Last evaluated 2025-08-30.

Conditions:
Hypertrophic cardiomyopathy. Also called: HYPERTROPHIC MYOCARDIOPATHY. Identifiers: Orphanet 217569, MedGen C0007194, MeSH D002312, MONDO:0005045, HP:0001639.
Cardiovascular phenotype. Identifiers: MedGen CN230736.
Cardiomyopathy (CMYO). Also called: Cardiomyopathies. Identifiers: Orphanet 167848, MedGen C0878544, MONDO:0004994, HP:0001638. Inheritance: Various modes of inheritance.

Submissions (3):

Color Diagnostics, LLC DBA Color Health
Classification: Uncertain significance for Cardiomyopathy. Last evaluated: 2025-08-30. Review status: criteria provided, single submitter. Criteria: ACMG Guidelines, 2015. Collection method: clinical testing. Allele origin: germline.
Comment: This missense variant replaces serine with cysteine at codon 77 of the TNNI3 protein. Computational prediction is inconclusive regarding the impact of this variant on protein structure and function. To our knowledge, functional studies have not been reported for this variant. This variant has not been reported in individuals affected with TNNI3-related disorders in the literature. This variant has not been identified in the general population by the Genome Aggregation Database (gnomAD). The available evidence is insufficient to determine the role of this variant in disease conclusively. Therefore, this variant is classified as a Variant of Uncertain Significance.

Labcorp Genetics (formerly Invitae), Labcorp
Classification: Uncertain significance for Hypertrophic cardiomyopathy. Last evaluated: 2025-08-05. Review status: criteria provided, single submitter. Criteria: Invitae Variant Classification Sherloc (09022015). Collection method: clinical testing. Allele origin: germline.
Comment: This sequence change replaces serine, which is neutral and polar, with cysteine, which is neutral and slightly polar, at codon 77 of the TNNI3 protein (p.Ser77Cys). This variant is not present in population databases (gnomAD no frequency). This variant has not been reported in the literature in individuals affected with TNNI3-related conditions. ClinVar contains an entry for this variant (Variation ID: 3231262). An algorithm developed to predict the effect of missense changes on protein structure and function (PolyPhen-2) suggests that this variant is likely to be disruptive. In summary, the available evidence is currently insufficient to determine the role of this variant in disease. Therefore, it has been classified as a Variant of Uncertain Significance.

Ambry Genetics
Classification: Uncertain significance for Cardiovascular phenotype. Last evaluated: 2023-10-02. Review status: criteria provided, single submitter. Criteria: Ambry Variant Classification Scheme 2023. Collection method: clinical testing. Allele origin: germline.
Comment: The p.S77C variant (also known as c.229A>T), located in coding exon 5 of the TNNI3 gene, results from an A to T substitution at nucleotide position 229. The serine at codon 77 is replaced by cysteine, an amino acid with dissimilar properties. This amino acid position is conserved. In addition, this alteration is predicted to be deleterious by in silico analysis. Since supporting evidence is limited at this time, the clinical significance of this alteration remains unclear.